The following is an entry in ClinVar:

ClinVar aggregate classification (germline): Uncertain significance (1 of 4 stars; one submission).

Conditions:
Ehlers-Danlos syndrome, classic type, 1 (EDSCL1). Also called: EHLERS-DANLOS SYNDROME, GRAVIS TYPE; EHLERS-DANLOS SYNDROME, SEVERE CLASSIC TYPE; Ehlers-Danlos syndrome, type 1; EDS I; Ehlers-Danlos Syndrome, Classic Type, COL5A1-Related. Identifiers: MedGen C0268335, MONDO:0019567, OMIM 130000.

Allele frequency attached by ClinVar (database versions not stated): TOPMed below 0.00001.

Submission:

Labcorp Genetics (formerly Invitae), Labcorp
Classification: Uncertain significance for Ehlers-Danlos syndrome, classic type, 1. Last evaluated: 2021-06-17. Review status: criteria provided, single submitter. Criteria: Invitae Variant Classification Sherloc (09022015). Collection method: clinical testing. Allele origin: germline.
Comment: This sequence change replaces proline with serine at codon 1397 of the COL5A1 protein (p.Pro1397Ser). The proline residue is highly conserved and there is a moderate physicochemical difference between proline and serine. This variant is not present in population databases (ExAC no frequency). This variant has not been reported in the literature in individuals with COL5A1-related conditions. Advanced modeling of protein sequence and biophysical properties (such as structural, functional, and spatial information, amino acid conservation, physicochemical variation, residue mobility, and thermodynamic stability) performed at Invitae indicates that this missense variant is not expected to disrupt COL5A1 protein function. In summary, the available evidence is currently insufficient to determine the role of this variant in disease. Therefore, it has been classified as a Variant of Uncertain Significance.

NM_000093.5(COL5A1):c.4189C>T (p.Pro1397Ser)

Gene: COL5A1 (collagen type V alpha 1 chain; plus strand). Cytogenetic location: 9q34.3.
Variant type: single nucleotide variant.
Coding change: c.4189C>T on transcript NM_000093.5 (MANE Select); coding-DNA position 4189, C replaced by T.
Protein change: p.Pro1397Ser; replaces proline 1397 with serine.
Molecular consequence: missense variant.
Genome position (GRCh38, 1-based): chr9:134,817,790, C>T. VCF-style: chr9-134817790-C-T. GRCh37 (hg19) VCF-style: chr9-137709636-C-T.
Other names: c.4189C>T, p.Pro1397Ser (NM_001278074.1); short protein forms P1397S.
Identifiers: ClinVar variation 1361963 (VCV001361963.8), dbSNP rs1838819571, ClinGen allele CA375456808.